The following is an entry in ClinVar:

ClinVar aggregate classification (germline): Uncertain significance (1 of 4 stars; one submission).

Conditions:
Cardiovascular phenotype. Identifiers: MedGen CN230736.
Hereditary cancer-predisposing syndrome. Also called: Neoplastic Syndromes, Hereditary; Tumor predisposition; Hereditary Cancer Syndrome; Hereditary neoplastic syndrome. Identifiers: Orphanet 140162, MedGen C0027672, MeSH D009386, MONDO:0015356.

Submission:

Ambry Genetics
Classification: Uncertain significance for Cardiovascular phenotype; Hereditary cancer-predisposing syndrome. Last evaluated: 2025-09-25. Review status: criteria provided, single submitter. Criteria: Ambry Variant Classification Scheme 2023. Collection method: clinical testing. Allele origin: germline.
Comment: The c.3497-3delT intronic variant, located in intron 26 of the NF1 gene, results from a deletion of one nucleotide within intron 26 of the NF1 gene. This nucleotide position is not well conserved in available vertebrate species. In silico splice site analysis predicts that this alteration will not have any significant effect on splicing. Based on the available evidence, the clinical significance of this variant remains unclear.

NM_001042492.3(NF1):c.3497-3del

Gene: NF1 (neurofibromin 1; plus strand). Cytogenetic location: 17q11.2.
Variant type: Deletion.
Coding change: c.3497-3del on transcript NM_001042492.3 (MANE Select); 3 bases into the intron before coding-DNA position 3497, one base deleted (T; older notation c.3497-3delT).
Molecular consequence: intron variant.
Genome position (GRCh38, 1-based): chr17:31,232,999, T deleted; the last of 2 consecutive T bases (chr17:31,232,998-31,232,999); deleting either gives the same sequence. VCF-style (leftmost placement, unchanged base first): chr17-31232997-AT-A. GRCh37 (hg19) VCF-style: chr17-29560015-AT-A.
Other names: c.3497-3del (NM_000267.4).
Identifiers: ClinVar variation 4615720 (VCV004615720.1).